The following is an entry in ClinVar:

ClinVar aggregate classification (germline): Uncertain significance (1 of 4 stars; one submission).

Allele frequency attached by ClinVar (database versions not stated): gnomAD exomes below 0.00001.
gnomAD v4.1: 2 of 1,612,682 alleles (0.00012%); highest among the groups gnomAD compares: Non-Finnish European, 0.00017%; no homozygotes.

Submission:

Labcorp Genetics (formerly Invitae), Labcorp
Classification: Uncertain significance. Last evaluated: 2023-12-07. Review status: criteria provided, single submitter. Criteria: Invitae Variant Classification Sherloc (09022015). Collection method: clinical testing. Allele origin: germline.
Comment: This sequence change replaces glycine, which is neutral and non-polar, with serine, which is neutral and polar, at codon 2203 of the MTOR protein (p.Gly2203Ser). This variant is not present in population databases (gnomAD no frequency). This variant has not been reported in the literature in individuals affected with MTOR-related conditions. ClinVar contains an entry for this variant (Variation ID: 2106047). Advanced modeling of protein sequence and biophysical properties (such as structural, functional, and spatial information, amino acid conservation, physicochemical variation, residue mobility, and thermodynamic stability) has been performed at Invitae for this missense variant, however the output from this modeling did not meet the statistical confidence thresholds required to predict the impact of this variant on MTOR protein function. In summary, the available evidence is currently insufficient to determine the role of this variant in disease. Therefore, it has been classified as a Variant of Uncertain Significance.

NM_004958.4(MTOR):c.6607G>A (p.Gly2203Ser)

Gene: MTOR (mechanistic target of rapamycin kinase; minus strand). Cytogenetic location: 1p36.22.
Variant type: single nucleotide variant.
Coding change: c.6607G>A on transcript NM_004958.4 (MANE Select); coding-DNA position 6607, G replaced by A.
Protein change: p.Gly2203Ser; replaces glycine 2203 with serine.
Molecular consequence: missense variant.
Genome position (GRCh38, 1-based): chr1:11,124,553, C>T on the plus strand (G>A on the coding strand, the complement: MTOR is on the minus strand). VCF-style: chr1-11124553-C-T. GRCh37 (hg19) VCF-style: chr1-11184610-C-T.
Other names: c.6607G>A, p.Gly2203Ser (NM_001386500.1); c.5359G>A, p.Gly1787Ser (NM_001386501.1); short protein forms G2203S, G1787S.
Identifiers: ClinVar variation 2106047 (VCV002106047.4), dbSNP rs2100381863, ClinGen allele CA338387519.